The following is an entry in ClinVar:

NM_001701.4(BAAT):c.227T>C (p.Met76Thr)

Gene: BAAT (bile acid-CoA:amino acid N-acyltransferase; minus strand). Cytogenetic location: 9q31.1.
Variant type: single nucleotide variant.
Coding change: c.227T>C on transcript NM_001701.4 (MANE Select); coding-DNA position 227, T replaced by C.
Protein change: p.Met76Thr; replaces methionine 76 with threonine.
Molecular consequence: missense variant.
Genome position (GRCh38, 1-based): chr9:101,371,178, A>G on the plus strand (T>C on the coding strand, the complement: BAAT is on the minus strand). VCF-style: chr9-101371178-A-G. GRCh37 (hg19) VCF-style: chr9-104133460-A-G.
Other names: c.227T>C, p.Met76Thr (NM_001127610.2, NM_001374715.1); c.227T>C (NM_001701.3); short protein forms M76T.
Identifiers: ClinVar variation 595353 (VCV000595353.8), dbSNP rs190174945, ClinGen allele CA5160762.

ClinVar aggregate classification (germline): Uncertain significance. Review status: criteria provided, multiple submitters, no conflicts (2 of 4 stars). 3 submissions from 3 submitters: Uncertain significance (3). Last evaluated 2025-12-04.

Conditions:
BAAT-related disorder. Also called: BAAT-related condition.

Allele frequency attached by ClinVar (database versions not stated): ExAC 0.00001; gnomAD 0.00001 and 0.00003; gnomAD exomes 0.00001 and 0.00002; TOPMed 0.00001; 1000 Genomes Project 30x 0.00031; 1000 Genomes Project 0.00040.
gnomAD v4.1: 16 of 1,614,184 alleles (0.00099%); highest among the groups gnomAD compares: Admixed American, 0.017%; no homozygotes.

Submissions (3):

PreventionGenetics, part of Exact Sciences
Classification: Uncertain significance for BAAT-related condition. Last evaluated: 2025-12-04. Review status: criteria provided, single submitter. Criteria: ACMG Guidelines, 2015. Collection method: clinical testing. Allele origin: germline.
Comment: The BAAT c.227T>C variant is predicted to result in the amino acid substitution p.Met76Thr. To our knowledge, this variant has not been reported in the literature. This variant is reported in 0.017% of alleles in individuals of Latino descent in gnomAD. At this time, the clinical significance of this variant is uncertain due to the absence of conclusive functional and genetic evidence.

Ambry Genetics
Classification: Uncertain significance. Last evaluated: 2025-08-19. Review status: criteria provided, single submitter. Criteria: Ambry Variant Classification Scheme 2023. Collection method: clinical testing. Allele origin: germline.

Eurofins Ntd Llc (ga)
Classification: Uncertain significance. Last evaluated: 2017-12-12. Review status: criteria provided, single submitter. Criteria: EGL Classification Definitions 2015. Collection method: clinical testing. Allele origin: germline. Observed: 1 variant allele, 1 heterozygote.